The following is an entry in ClinVar:

NM_000435.3(NOTCH3):c.1978G>A (p.Glu660Lys)

Gene: NOTCH3 (notch receptor 3; minus strand). Cytogenetic location: 19p13.12.
Variant type: single nucleotide variant.
Coding change: c.1978G>A on transcript NM_000435.3 (MANE Select); coding-DNA position 1978, G replaced by A.
Protein change: p.Glu660Lys; replaces glutamic acid 660 with lysine.
Molecular consequence: missense variant.
Genome position (GRCh38, 1-based): chr19:15,185,653, C>T on the plus strand (G>A on the coding strand, the complement: NOTCH3 is on the minus strand). VCF-style: chr19-15185653-C-T. GRCh37 (hg19) VCF-style: chr19-15296464-C-T.
Other names: p.Glu660Lys; short protein forms E660K.
Identifiers: ClinVar variation 4542323 (VCV004542323.1).

ClinVar aggregate classification (germline): Uncertain significance (1 of 4 stars; one submission).

gnomAD v4.1: 24 of 1,613,448 alleles (0.0015%); highest among the groups gnomAD compares: Non-Finnish European, 0.0019%; no homozygotes.

Submission:

Mayo Clinic Laboratories, Mayo Clinic
Classification: Uncertain significance. Last evaluated: 2025-04-01. Review status: criteria provided, single submitter. Criteria: ACMG Guidelines, 2015. Collection method: clinical testing. Allele origin: germline. Observed: 1 variant allele.
Comment: PP3_moderate